The following is an entry in ClinVar:

NM_001006657.2(WDR35):c.1195-2A>T

Gene: WDR35 (WD repeat domain 35; minus strand). Cytogenetic location: 2p24.1.
Variant type: single nucleotide variant.
Coding change: c.1195-2A>T on transcript NM_001006657.2 (MANE Plus Clinical); the canonical splice acceptor site of the intron before coding-DNA position 1195, A replaced by T.
Molecular consequence: splice acceptor variant. On other transcripts: intron variant (1).
Genome position (GRCh38, 1-based): chr2:19,962,329, T>A on the plus strand (A>T on the coding strand, the complement: WDR35 is on the minus strand). VCF-style: chr2-19962329-T-A. GRCh37 (hg19) VCF-style: chr2-20162090-T-A.
Other names: c.1195-1715A>T (NM_020779.4).
Identifiers: ClinVar variation 2949181 (VCV002949181.3), dbSNP rs2527924479, ClinGen allele CA345945995.

ClinVar aggregate classification (germline): Likely pathogenic (1 of 4 stars; one submission).

Conditions:
Short-rib thoracic dysplasia 7 with or without polydactyly (SRTD7). Also called: SHORT-RIB THORACIC DYSPLASIA 7 WITH POLYDACTYLY; Short rib polydactyly syndrome 5. Identifiers: Orphanet 498497, Orphanet 93271, MedGen C3279792, MONDO:0013569, OMIM 614091.
Cranioectodermal dysplasia 2 (CED2). Identifiers: Orphanet 1515, MedGen C3150874, MONDO:0013323, OMIM 613610.

Allele frequency attached by ClinVar (database versions not stated): gnomAD exomes below 0.00001.
gnomAD v4.1: 1 of 1,612,920 alleles (0.000062%); highest among the groups gnomAD compares: African/African-American, 0.0013%; no homozygotes.

Submission:

Labcorp Genetics (formerly Invitae), Labcorp
Classification: Likely pathogenic for Cranioectodermal dysplasia 2; Short-rib thoracic dysplasia 7 with or without polydactyly. Last evaluated: 2024-07-08. Review status: criteria provided, single submitter. Criteria: Invitae Variant Classification Sherloc (09022015). Collection method: clinical testing. Allele origin: germline.
Comment: This sequence change affects an acceptor splice site in intron 10 of the WDR35 gene. It is expected to disrupt RNA splicing. Variants that disrupt the donor or acceptor splice site typically lead to a loss of protein function (PMID: 16199547), and loss-of-function variants in WDR35 are known to be pathogenic (PMID: 22486404, 29068549). This variant is not present in population databases (gnomAD no frequency). This variant has not been reported in the literature in individuals affected with WDR35-related conditions. Algorithms developed to predict the effect of sequence changes on RNA splicing suggest that this variant may disrupt the consensus splice site. In summary, the currently available evidence indicates that the variant is pathogenic, but additional data are needed to prove that conclusively. Therefore, this variant has been classified as Likely Pathogenic.

Literature cited by the submitters: PubMed 16199547; PubMed 22486404; PubMed 29068549.